The following is an entry in ClinVar:

NM_001365308.1(BMPER):c.*1163C>T

Gene: BMPER (BMP binding endothelial regulator; plus strand). Cytogenetic location: 7p14.3.
Variant type: single nucleotide variant.
Coding change: c.*1163C>T on transcript NM_001365308.1 (MANE Select); 1163 bases downstream of the stop codon, C replaced by T.
Molecular consequence: 3 prime UTR variant.
Genome position (GRCh38, 1-based): chr7:34,154,436, C>T. VCF-style: chr7-34154436-C-T. GRCh37 (hg19) VCF-style: chr7-34194048-C-T.
Other names: c.*1163C>T (NM_133468.5).
Identifiers: ClinVar variation 360137 (VCV000360137.6), dbSNP rs144812459, ClinGen allele CA10629157.

ClinVar aggregate classification (germline): Likely benign. Review status: criteria provided, multiple submitters, no conflicts (2 of 4 stars). 2 submissions from 2 submitters: Likely benign (2). Last evaluated 2018-01-12.

Conditions:
Diaphanospondylodysostosis. Also called: VERTEBRAL OSSIFICATION, DEFECT IN, WITH NEPHROGENIC RESTS. Identifiers: Orphanet 66637, MedGen C1842691, MONDO:0011946, OMIM 608022.

Allele frequency attached by ClinVar (database versions not stated): 1000 Genomes Project 30x 0.00203; 1000 Genomes Project 0.00220; gnomAD 0.00285 and 0.00312; TOPMed 0.00359.

Submissions (2):

Illumina Laboratory Services, Illumina
Classification: Likely benign for Diaphanospondylodysostosis. Last evaluated: 2018-01-12. Review status: criteria provided, single submitter. Criteria: ICSL Variant Classification Criteria 13 December 2019. Collection method: clinical testing. Allele origin: germline.
Comment: This variant was observed in the ICSL laboratory as part of a predisposition screen in an ostensibly healthy population. It had not been previously curated by ICSL or reported in the Human Gene Mutation Database (HGMD: prior to June 1st, 2018), and was therefore a candidate for classification through an automated scoring system. Utilizing variant allele frequency, disease prevalence and penetrance estimates, and inheritance mode, an automated score was calculated to assess if this variant is too frequent to cause the disease. Based on the score and internal cut-off values, a variant classified as likely benign is not then subjected to further curation. The score for this variant resulted in a classification of likely benign for this disease.

Breakthrough Genomics
Classification: Likely benign. Review status: criteria provided, single submitter. Criteria: ACMG Guidelines, 2015. Collection method: not provided. Allele origin: germline. Inheritance: Autosomal recessive inheritance. Affected: yes.